The following is an entry in ClinVar:

NM_004320.6(ATP2A1):c.369G>A (p.Glu123=)

Gene: ATP2A1 (ATPase sarcoplasmic/endoplasmic reticulum Ca2+ transporting 1; plus strand). Cytogenetic location: 16p11.2.
Variant type: single nucleotide variant.
Coding change: c.369G>A on transcript NM_004320.6 (MANE Select); coding-DNA position 369, G replaced by A.
Protein change: p.Glu123=; no amino-acid change (glutamic acid 123 retained).
Molecular consequence: synonymous variant. On other transcripts: 5 prime UTR variant (1).
Genome position (GRCh38, 1-based): chr16:28,882,495, G>A. VCF-style: chr16-28882495-G-A. GRCh37 (hg19) VCF-style: chr16-28893816-G-A.
Other names: c.369G>A (NM_173201.3); c.-7G>A (NM_001286075.2); c.369G>A, p.Glu123= (NM_173201.5).
Identifiers: ClinVar variation 1077889 (VCV001077889.11), dbSNP rs767247603, ClinGen allele CA7986634.
Genomic context (GRCh38, chr16:28,882,495, plus strand): 5'-CACCCTGTCTCCTCAGGAGCGGAACGCAGAGAACGCCATCGAGGCCCTGAAGGAGTATGA[G>A]CCAGAGATGGGGAAGGTCTACCGGGCTGACCGCAAGTCAGTGCAAAGGATCAAGGCTCGG-3'
Protein context (NP_004311.1, residues 113-133): ENAIEALKEY[Glu123=]PEMGKVYRAD

ClinVar aggregate classification (germline): Likely benign. Review status: criteria provided, single submitter (1 of 4 stars). 2 submissions from 2 submitters: Likely benign (1). 1 of the submissions does not count toward it. Last evaluated 2025-07-03.

Conditions:
ATP2A1-related disorder. Also called: ATP2A1-related condition.
Brody myopathy. Also called: BRODY DISEASE. Identifiers: Orphanet 53347, MedGen C1832918, MONDO:0010977, OMIM 601003.

Allele frequency attached by ClinVar (database versions not stated): TOPMed below 0.00001; gnomAD 0.00001; gnomAD exomes 0.00001 and 0.00002; ExAC 0.00002.
gnomAD v4.1: 27 of 1,614,110 alleles (0.0017%); highest among the groups gnomAD compares: Middle Eastern, 0.016%; no homozygotes.

Submissions (2):

Labcorp Genetics (formerly Invitae), Labcorp
Classification: Likely benign for Brody myopathy. Last evaluated: 2025-07-03. Review status: criteria provided, single submitter. Criteria: Invitae Variant Classification Sherloc (09022015). Collection method: clinical testing. Allele origin: germline.

PreventionGenetics, part of Exact Sciences
Classification: Likely benign for ATP2A1-related condition. Last evaluated: 2020-10-14. Review status: no assertion criteria provided. Collection method: clinical testing. Allele origin: germline. Not counted in ClinVar's aggregate classification.
Comment: This variant is classified as likely benign based on ACMG/AMP sequence variant interpretation guidelines (Richards et al. 2015 PMID: 25741868, with internal and published modifications).